The following is an entry in ClinVar:

NM_001370259.2(MEN1):c.785A>T (p.Lys262Met)

Gene: MEN1 (menin 1; minus strand). Cytogenetic location: 11q13.1.
Variant type: single nucleotide variant.
Coding change: c.785A>T on transcript NM_001370259.2 (MANE Select); coding-DNA position 785, A replaced by T.
Protein change: p.Lys262Met; replaces lysine 262 with methionine.
Molecular consequence: missense variant. On other transcripts: non-coding transcript variant (4).
Genome position (GRCh38, 1-based): chr11:64,807,218, T>A on the plus strand (A>T on the coding strand, the complement: MEN1 is on the minus strand). VCF-style: chr11-64807218-T-A. GRCh37 (hg19) VCF-style: chr11-64574690-T-A.
Other names: c.800A>T, p.Lys267Met (NM_000244.4, NM_001407145.1, NM_001407150.1 and 5 more transcripts); c.785A>T, p.Lys262Met (NM_001370251.2, NM_001370260.2, NM_001370261.2 and 7 more transcripts); c.680A>T, p.Lys227Met (NM_001370262.2, NM_001370263.2, NM_001407148.1 and 2 more transcripts); short protein forms K267M, K262M, K227M.
Identifiers: ClinVar variation 3394999 (VCV003394999.1).
Genomic context (GRCh38, chr11:64,807,218, plus strand): 5'-TGGCCACTTCCCTCTACTGACCTTTCCAGATGTCCCAGGTCATAGAGCAGCCAGAGCAGC[T>A]TCTAGGAGCCGAAGGAGAGAGTTATGAGCCACGGAACAGGGAGGAGAACGGGTCCTTAGC-3'
Protein context (NP_001357188.2, residues 252-272): DSLELLQLQQ[Lys262Met]LLWLLYDLGH

ClinVar aggregate classification (germline): Uncertain significance (1 of 4 stars; one submission).

Conditions:
Hereditary cancer-predisposing syndrome. Also called: Hereditary Cancer Syndrome; Tumor predisposition; Hereditary neoplastic syndrome; Neoplastic Syndromes, Hereditary. Identifiers: Orphanet 140162, MedGen C0027672, MeSH D009386, MONDO:0015356.

gnomAD v4.1: 1 of 1,613,386 alleles (0.000062%); highest among the groups gnomAD compares: Non-Finnish European, 0.000085%; no homozygotes.

Submission:

Ambry Genetics
Classification: Uncertain significance for Hereditary cancer-predisposing syndrome. Last evaluated: 2024-12-09. Review status: criteria provided, single submitter. Criteria: Ambry Variant Classification Scheme 2023. Collection method: clinical testing. Allele origin: germline.
Comment: The p.K262M variant (also known as c.785A>T), located in coding exon 4 of the MEN1 gene, results from an A to T substitution at nucleotide position 785. The lysine at codon 262 is replaced by methionine, an amino acid with similar properties. This amino acid position is conserved. In addition, this alteration is predicted to be deleterious by in silico analysis. Based on the available evidence, the clinical significance of this variant remains unclear.